The following is an entry in ClinVar:

ClinVar aggregate classification (germline): Uncertain significance. Review status: criteria provided, multiple submitters, no conflicts (2 of 4 stars). 2 submissions from 2 submitters: Uncertain significance (2). Last evaluated 2022-04-10.

Conditions:
Familial hemophagocytic lymphohistiocytosis 3 (FHL3). Also called: UNC13D-Related Familial Hemophagocytic Lymphohistiocytosis (UNC13D-fHLH). Identifiers: Orphanet 540, MedGen C1837174, MONDO:0012146, OMIM 608898.

Allele frequency attached by ClinVar (database versions not stated): TOPMed 0.00007; ExAC 0.00008; ESP Exome Variant Server 0.00008; gnomAD 0.00009; gnomAD exomes 0.00009; 1000 Genomes Project 30x 0.00016; 1000 Genomes Project 0.00020.
gnomAD v4.1: 141 of 1,613,714 alleles (0.0087%); highest among the groups gnomAD compares: East Asian, 0.025%; no homozygotes.

Submissions (3):

Labcorp Genetics (formerly Invitae), Labcorp
Classification: Uncertain significance for Familial hemophagocytic lymphohistiocytosis 3. Last evaluated: 2022-04-10. Review status: criteria provided, single submitter. Criteria: Invitae Variant Classification Sherloc (09022015). Collection method: clinical testing. Allele origin: germline.
Comment: This sequence change replaces arginine, which is basic and polar, with glutamine, which is neutral and polar, at codon 427 of the UNC13D protein (p.Arg427Gln). This variant is present in population databases (rs200661413, gnomAD 0.02%). This missense change has been observed in individual(s) with clinical features of hemophagocytic lymphohistiocytosis (PMID: 29665027, 30899265). Algorithms developed to predict the effect of missense changes on protein structure and function are either unavailable or do not agree on the potential impact of this missense change (SIFT: "Not Available"; PolyPhen-2: "Probably Damaging"; Align-GVGD: "Not Available"). In summary, the available evidence is currently insufficient to determine the role of this variant in disease. Therefore, it has been classified as a Variant of Uncertain Significance.

Blueprint Genetics
Classification: Uncertain significance. Last evaluated: 2018-06-08. Review status: criteria provided, single submitter. Criteria: ACMG Guidelines, 2015. Collection method: clinical testing. Allele origin: germline.

Dr. Peter K. Rogan Lab, Western University
No classification provided (evidence only). Condition: Malignant tumor of urinary bladder. Review status: no classification provided. Collection method: in vitro. Allele origin: not applicable. Functional consequence: retained intron. Not counted in ClinVar's aggregate classification.

Literature cited by the submitters: PubMed 29665027 (cited by Labcorp Genetics (formerly Invitae), Labcorp); PubMed 30899265 (cited by Labcorp Genetics (formerly Invitae), Labcorp).

NM_199242.3(UNC13D):c.1280G>A (p.Arg427Gln)

Gene: UNC13D (unc-13 homolog D; minus strand). Cytogenetic location: 17q25.1.
Variant type: single nucleotide variant.
Coding change: c.1280G>A on transcript NM_199242.3 (MANE Select); coding-DNA position 1280, G replaced by A.
Protein change: p.Arg427Gln; replaces arginine 427 with glutamine.
Molecular consequence: missense variant.
Genome position (GRCh38, 1-based): chr17:75,836,590, C>T on the plus strand (G>A on the coding strand, the complement: UNC13D is on the minus strand). VCF-style: chr17-75836590-C-T. GRCh37 (hg19) VCF-style: chr17-73832671-C-T.
Other names: short protein forms R427Q.
Identifiers: ClinVar variation 2049890 (VCV002049890.3), dbSNP rs200661413, ClinGen allele CA8773051.
Genomic context (GRCh38, chr17:75,836,590, plus strand): 5'-TCATCCCTGACCCCACCGAGGAAGAGGAAGGCAGCCACTGACCTGAGAAGAGACTGCAGC[C>T]GGGCTGGGGAGTCCGAGACAGAGAGGGGGAAGACAGAGCGGAACCTCCGGATGAGGGAGA-3'
Protein context (NP_954712.1, residues 417-437): FPLSVSDSPA[Arg427Gln]LQSLLRVLVQ